The following is an entry in ClinVar:

NM_005219.5(DIAPH1):c.1164-9C>G

Gene: DIAPH1 (diaphanous related formin 1; minus strand). Cytogenetic location: 5q31.3.
Variant type: single nucleotide variant.
Coding change: c.1164-9C>G on transcript NM_005219.5 (MANE Select); 9 bases into the intron before coding-DNA position 1164, C replaced by G.
Molecular consequence: intron variant.
Genome position (GRCh38, 1-based): chr5:141,577,600, G>C on the plus strand (C>G on the coding strand, the complement: DIAPH1 is on the minus strand). VCF-style: chr5-141577600-G-C. GRCh37 (hg19) VCF-style: chr5-140957167-G-C.
Other names: c.1137-9C>G (NM_001079812.3); c.1164-9C>G (NM_001314007.2).
Identifiers: ClinVar variation 2951813 (VCV002951813.3), dbSNP rs1317577803, ClinGen allele CA563369472.

ClinVar aggregate classification (germline): Uncertain significance (1 of 4 stars; one submission).

Conditions:
Autosomal dominant nonsyndromic hearing loss 1. Also called: KONIGSMARK SYNDROME; DEAFNESS, AUTOSOMAL DOMINANT 1, WITH OR WITHOUT THROMBOCYTOPENIA. Identifiers: Orphanet 90635, MedGen C1852282, MONDO:0007424, OMIM 124900.
Progressive microcephaly-seizures-cortical blindness-developmental delay syndrome. Also called: Seizures, cortical blindness, and microcephaly syndrome. Identifiers: Orphanet 477814, MedGen C5567650, MONDO:0014714, OMIM 616632.

Allele frequency attached by ClinVar (database versions not stated): TOPMed below 0.00001; gnomAD 0.00001.
gnomAD v4.1: 5 of 1,557,016 alleles (0.00032%); highest among the groups gnomAD compares: African/African-American, 0.0041%; no homozygotes.

Submission:

Labcorp Genetics (formerly Invitae), Labcorp
Classification: Uncertain significance for Progressive microcephaly-seizures-cortical blindness-developmental delay syndrome; Autosomal dominant nonsyndromic hearing loss 1. Last evaluated: 2023-10-22. Review status: criteria provided, single submitter. Criteria: Invitae Variant Classification Sherloc (09022015). Collection method: clinical testing. Allele origin: germline.
Comment: This sequence change falls in intron 11 of the DIAPH1 gene. It does not directly change the encoded amino acid sequence of the DIAPH1 protein. This variant is present in population databases (no rsID available, gnomAD 0.01%). This variant has not been reported in the literature in individuals affected with DIAPH1-related conditions. Algorithms developed to predict the effect of sequence changes on RNA splicing suggest that this variant may create or strengthen a splice site. In summary, the available evidence is currently insufficient to determine the role of this variant in disease. Therefore, it has been classified as a Variant of Uncertain Significance.